The following is an entry in ClinVar:

NM_001171.6(ABCC6):c.3731A>G (p.Lys1244Arg)

Gene: ABCC6 (ATP binding cassette subfamily C member 6; minus strand). Cytogenetic location: 16p13.11.
Variant type: single nucleotide variant.
Coding change: c.3731A>G on transcript NM_001171.6 (MANE Select); coding-DNA position 3731, A replaced by G.
Protein change: p.Lys1244Arg; replaces lysine 1244 with arginine.
Molecular consequence: missense variant. On other transcripts: non-coding transcript variant (1).
Genome position (GRCh38, 1-based): chr16:16,159,486, T>C on the plus strand (A>G on the coding strand, the complement: ABCC6 is on the minus strand). VCF-style: chr16-16159486-T-C. GRCh37 (hg19) VCF-style: chr16-16253343-T-C.
Other names: c.3389A>G, p.Lys1130Arg (NM_001351800.1); short protein forms K1130R, K1244R.
Identifiers: ClinVar variation 1713424 (VCV001713424.5), dbSNP rs2046645365, ClinGen allele CA394878669.
Genomic context (GRCh38, chr16:16,159,486, plus strand): 5'-GCCCCCCCCCACAATATGTCCTTGCTGGGACCCCCTCCCCACCTCCCGCCCATCACCTCC[T>C]TGGGCGTCCAGGCATAGTCCTGCATCCGCTCCACTGACACGATGCTGTTCTCTAGGTCTG-3'
Protein context (NP_001162.5, residues 1234-1254): ERMQDYAWTP[Lys1244Arg]EAPWRLPTCA

ClinVar aggregate classification (germline): Uncertain significance (1 of 4 stars; one submission).

Submission:

Labcorp Genetics (formerly Invitae), Labcorp
Classification: Uncertain significance. Last evaluated: 2022-07-23. Review status: criteria provided, single submitter. Criteria: Invitae Variant Classification Sherloc (09022015). Collection method: clinical testing. Allele origin: germline.
Comment: In summary, the available evidence is currently insufficient to determine the role of this variant in disease. Therefore, it has been classified as a Variant of Uncertain Significance. Algorithms developed to predict the effect of sequence changes on RNA splicing suggest that this variant may disrupt the consensus splice site. This sequence change replaces lysine, which is basic and polar, with arginine, which is basic and polar, at codon 1244 of the ABCC6 protein (p.Lys1244Arg). This variant is not present in population databases (gnomAD no frequency). This variant has not been reported in the literature in individuals affected with ABCC6-related conditions. Advanced modeling of protein sequence and biophysical properties (such as structural, functional, and spatial information, amino acid conservation, physicochemical variation, residue mobility, and thermodynamic stability) performed at Invitae indicates that this missense variant is expected to disrupt ABCC6 protein function.